The following is an entry in ClinVar:

ClinVar aggregate classification (germline): Uncertain significance (1 of 4 stars; one submission).

Conditions:
Familial cancer of breast. Also called: BREAST CANCER, FAMILIAL; Hereditary breast cancer; hereditary breast carcinoma. Identifiers: Orphanet 227535, MedGen C0346153, MONDO:0016419, OMIM 114480. Disease mechanism: loss of function.

Submission:

Dasa
Classification: Uncertain significance for hereditary breast carcinoma. Last evaluated: 2026-01-06. Review status: criteria provided, single submitter. Criteria: DASA Assertion Criteria. Collection method: clinical testing. Allele origin: germline.
Comment: NM_000465.4(BARD1):c.2001+99C>G is an intronic variant. This variant is rare in population databases. Computational prediction algorithms are consistent with a deleterious effect. The currently available literature and clinical evidence are not sufficient to establish a definitive association between this variant and the reported condition. Therefore, this variant is classified as a variant of uncertain significance.

NM_000465.4(BARD1):c.2001+99C>G

Gene: BARD1 (BRCA1 associated RING domain 1; minus strand). Cytogenetic location: 2q35.
Variant type: single nucleotide variant.
Coding change: c.2001+99C>G on transcript NM_000465.4 (MANE Select); 99 bases into the intron after coding-DNA position 2001, C replaced by G.
Molecular consequence: intron variant.
Genome position (GRCh38, 1-based): chr2:214,730,312, G>C on the plus strand (C>G on the coding strand, the complement: BARD1 is on the minus strand). VCF-style: chr2-214730312-G-C. GRCh37 (hg19) VCF-style: chr2-215595036-G-C.
Other names: c.591+99C>G (NM_001282548.2); c.1944+99C>G (NM_001282543.2); c.648+99C>G (NM_001282545.2); c.462+99C>G (NM_001282549.2).
Identifiers: ClinVar variation 4881957 (VCV004881957.2).
Genomic context (GRCh38, chr2:214,730,312, plus strand): 5'-TCATCGTGATCATCTTTCAGAATCAAGTGCTTGAAATAAGCACAATTAAAATTTTAATCA[G>C]TCACCTGTAGCTGTTGAAAGGGCAGAAGTTCTTCCTGATGGTGATAATAATAGTATGTCA-3'